The following is an entry in ClinVar:

NM_001256071.3(RNF213):c.8110C>T (p.Arg2704Trp)

Gene: RNF213 (ring finger protein 213; plus strand). Cytogenetic location: 17q25.3.
Variant type: single nucleotide variant.
Coding change: c.8110C>T on transcript NM_001256071.3 (MANE Select); coding-DNA position 8110, C replaced by T.
Protein change: p.Arg2704Trp; replaces arginine 2704 with tryptophan.
Molecular consequence: missense variant.
Genome position (GRCh38, 1-based): chr17:80,346,445, C>T. VCF-style: chr17-80346445-C-T. GRCh37 (hg19) VCF-style: chr17-78320245-C-T.
Other names: c.8110C>T (NM_001256071.1); short protein forms R2704W.
Identifiers: ClinVar variation 731178 (VCV000731178.21), dbSNP rs144074554, ClinGen allele CA8820878.
Genomic context (GRCh38, chr17:80,346,445, plus strand): 5'-TCGTTGATGCTGGCCATCGGGGTGTGTTACCATGCCTCTTTAGAAAAGAAAGACTCATAT[C>T]GGAAAGCCATCGCCAGGTTCTTTCCGAAACCGTATGACGACAGCAGGCTGCTTCTGGATG-3'
Protein context (NP_001243000.2, residues 2694-2714): HASLEKKDSY[Arg2704Trp]KAIARFFPKP

ClinVar aggregate classification (germline): Conflicting classifications of pathogenicity. Review status: criteria provided, conflicting classifications (1 of 4 stars). 5 submissions from 5 submitters: Uncertain significance (1); Benign (1); Likely benign (3). Last evaluated 2026-09-18.

Conditions:
RNF213-related disorder. Also called: RNF213-related condition.

Allele frequency attached by ClinVar (database versions not stated): gnomAD exomes 0.00026 and 0.00052; ExAC 0.00069; ESP Exome Variant Server 0.00185; gnomAD 0.00202 and 0.00216; TOPMed 0.00225; 1000 Genomes Project 30x 0.00250; 1000 Genomes Project 0.00260.
gnomAD v4.1: 704 of 1,613,648 alleles (0.044%); highest among the groups gnomAD compares: African/African-American, 0.78%; 2 homozygotes.

Submissions (5):

PreventionGenetics, part of Exact Sciences
Classification: Likely benign for RNF213-related condition. Last evaluated: 2026-09-18. Review status: criteria provided, single submitter. Criteria: ACMG Guidelines, 2015. Collection method: clinical testing. Allele origin: germline.
Comment: This variant is classified as likely benign based on ACMG/AMP sequence variant interpretation guidelines (Richards et al. 2015 PMID: 25741868, with internal and published modifications).

GeneDx
Classification: Uncertain significance. Last evaluated: 2026-04-03. Review status: criteria provided, single submitter. Criteria: GeneDx Variant Classification Process June 2021. Collection method: clinical testing. Allele origin: germline.
Comment: In silico analysis supports that this missense variant has a deleterious effect on protein structure/function; Has not been previously published as pathogenic or benign to our knowledge

Labcorp Genetics (formerly Invitae), Labcorp
Classification: Benign. Last evaluated: 2025-09-30. Review status: criteria provided, single submitter. Criteria: Invitae Variant Classification Sherloc (09022015). Collection method: clinical testing. Allele origin: germline.

CeGaT Center for Human Genetics Tuebingen
Classification: Likely benign. Last evaluated: 2025-05-01. Review status: criteria provided, single submitter. Criteria: CeGaT Center For Human Genetics Tuebingen Variant Classification Criteria Version 2. Collection method: clinical testing. Allele origin: germline. Affected: yes. Observed: 1 variant allele.
Comment: RNF213: BP4

Blueprint Genetics
Classification: Likely benign. Last evaluated: 2024-10-23. Review status: criteria provided, single submitter. Criteria: ACMG Guidelines, 2015. Collection method: clinical testing. Allele origin: germline.